The following is an entry in ClinVar:

ClinVar aggregate classification (germline): Benign/Likely benign. Review status: criteria provided, multiple submitters, no conflicts (2 of 4 stars). 4 submissions from 4 submitters: Benign (1); Likely benign (3). Last evaluated 2025-11-17.

Conditions:
Hereditary cancer-predisposing syndrome. Also called: Hereditary Cancer Syndrome; Hereditary neoplastic syndrome; Neoplastic Syndromes, Hereditary; Tumor predisposition. Identifiers: Orphanet 140162, MedGen C0027672, MeSH D009386, MONDO:0015356.
Familial cancer of breast. Also called: hereditary breast carcinoma; Hereditary breast cancer; BREAST CANCER, FAMILIAL. Identifiers: Orphanet 227535, MedGen C0346153, MONDO:0016419, OMIM 114480. Disease mechanism: loss of function.

Submissions (4):

Labcorp Genetics (formerly Invitae), Labcorp
Classification: Likely benign for Familial cancer of breast. Last evaluated: 2025-11-17. Review status: criteria provided, single submitter. Criteria: Invitae Variant Classification Sherloc (09022015). Collection method: clinical testing. Allele origin: germline.

Myriad Genetics, Inc.
Classification: Benign for Familial cancer of breast. Last evaluated: 2025-01-15. Review status: criteria provided, single submitter. Criteria: Myriad Autosomal Dominant, Autosomal Recessive and X-Linked Classification Criteria (2023). Collection method: clinical testing. Allele origin: unknown.
Comment: This variant is considered benign. This variant is a silent/synonymous amino acid change and it is not expected to impact splicing.

Ambry Genetics
Classification: Likely benign for Hereditary cancer-predisposing syndrome. Last evaluated: 2024-03-09. Review status: criteria provided, single submitter. Criteria: Ambry Variant Classification Scheme 2023. Collection method: clinical testing. Allele origin: germline.

GeneDx
Classification: Likely benign. Last evaluated: 2016-04-08. Review status: criteria provided, single submitter. Criteria: GeneDx Variant Classification (06012015). Collection method: clinical testing. Allele origin: germline. Affected: yes.
Comment: This variant is considered likely benign or benign based on one or more of the following criteria: it is a conservative change, it occurs at a poorly conserved position in the protein, it is predicted to be benign by multiple in silico algorithms, and/or has population frequency not consistent with disease.

NM_024675.4(PALB2):c.1974A>G (p.Glu658=)

Gene: PALB2 (partner and localizer of BRCA2; minus strand). Cytogenetic location: 16p12.2.
Variant type: single nucleotide variant.
Coding change: c.1974A>G on transcript NM_024675.4 (MANE Select); coding-DNA position 1974, A replaced by G.
Protein change: p.Glu658=; no amino-acid change (glutamic acid 658 retained).
Molecular consequence: synonymous variant.
Genome position (GRCh38, 1-based): chr16:23,630,180, T>C on the plus strand (A>G on the coding strand, the complement: PALB2 is on the minus strand). VCF-style: chr16-23630180-T-C. GRCh37 (hg19) VCF-style: chr16-23641501-T-C.
Identifiers: ClinVar variation 385497 (VCV000385497.6), dbSNP rs1057522241, ClinGen allele CA16607209.